The following is an entry in ClinVar:

ClinVar aggregate classification (germline): Likely benign. Review status: criteria provided, multiple submitters, no conflicts (2 of 4 stars). 3 submissions from 3 submitters: Likely benign (3). Last evaluated 2025-11-16.

Conditions:
Inborn genetic diseases. Identifiers: MedGen C0950123, MeSH D030342.

gnomAD v4.1: 4 of 1,613,980 alleles (0.00025%); highest among the groups gnomAD compares: Non-Finnish European, 0.00025%; no homozygotes.

Submissions (3):

Labcorp Genetics (formerly Invitae), Labcorp
Classification: Likely benign. Last evaluated: 2025-11-16. Review status: criteria provided, single submitter. Criteria: Invitae Variant Classification Sherloc (09022015). Collection method: clinical testing. Allele origin: germline.

CeGaT Center for Human Genetics Tuebingen
Classification: Likely benign. Last evaluated: 2025-08-01. Review status: criteria provided, single submitter. Criteria: CeGaT Center For Human Genetics Tuebingen Variant Classification Criteria Version 2. Collection method: clinical testing. Allele origin: germline. Affected: yes. Observed: 1 variant allele.
Comment: ERCC2: BP4, BP7

Ambry Genetics
Classification: Likely benign for Inborn genetic diseases. Last evaluated: 2024-03-17. Review status: criteria provided, single submitter. Criteria: Ambry Variant Classification Scheme 2023. Collection method: clinical testing. Allele origin: germline.

NM_000400.4(ERCC2):c.507C>T (p.Pro169=)

Gene: ERCC2 (ERCC excision repair 2, TFIIH core complex helicase subunit; minus strand). Cytogenetic location: 19q13.32.
Variant type: single nucleotide variant.
Coding change: c.507C>T on transcript NM_000400.4 (MANE Select); coding-DNA position 507, C replaced by T.
Protein change: p.Pro169=; no amino-acid change (proline 169 retained).
Molecular consequence: synonymous variant.
Genome position (GRCh38, 1-based): chr19:45,364,925, G>A on the plus strand (C>T on the coding strand, the complement: ERCC2 is on the minus strand). VCF-style: chr19-45364925-G-A. GRCh37 (hg19) VCF-style: chr19-45868183-G-A.
Other names: c.435C>T, p.Pro145= (NM_001130867.2).
Identifiers: ClinVar variation 3276245 (VCV003276245.10).